The following is an entry in ClinVar:

ClinVar aggregate classification (germline): Pathogenic (1 of 4 stars; one submission).

Submission:

CeGaT Center for Human Genetics Tuebingen
Classification: Pathogenic. Last evaluated: 2025-04-01. Review status: criteria provided, single submitter. Criteria: CeGaT Center For Human Genetics Tuebingen Variant Classification Criteria Version 2. Collection method: clinical testing. Allele origin: germline. Affected: yes. Observed: 1 variant allele.
Comment: MRE11: PVS1, PM2

NM_005591.4(MRE11):c.233T>A (p.Leu78Ter)

Gene: MRE11 (MRE11 double strand break repair nuclease; minus strand). Cytogenetic location: 11q21.
Variant type: single nucleotide variant.
Coding change: c.233T>A on transcript NM_005591.4 (MANE Select); coding-DNA position 233, T replaced by A.
Protein change: p.Leu78Ter; replaces leucine 78 with a stop codon.
Molecular consequence: nonsense.
Genome position (GRCh38, 1-based): chr11:94,486,005, A>T on the plus strand (T>A on the coding strand, the complement: MRE11 is on the minus strand). VCF-style: chr11-94486005-A-T. GRCh37 (hg19) VCF-style: chr11-94219171-A-T.
Other names: c.233T>A, p.Leu78Ter (NM_005590.4, NM_001330347.2); short protein forms L78*.
Identifiers: ClinVar variation 3898612 (VCV003898612.7).